The following is an entry in ClinVar:

ClinVar aggregate classification (germline): Uncertain significance. Review status: criteria provided, multiple submitters, no conflicts (2 of 4 stars). 3 submissions from 3 submitters: Uncertain significance (3). Last evaluated 2023-02-16.

Conditions:
Inborn genetic diseases. Identifiers: MedGen C0950123, MeSH D030342.

Allele frequency attached by ClinVar (database versions not stated): gnomAD 0.00001; gnomAD exomes 0.00002 and 0.00005; TOPMed 0.00002; ExAC 0.00003; ESP Exome Variant Server 0.00008.
gnomAD v4.1: 25 of 1,612,800 alleles (0.0016%); highest among the groups gnomAD compares: Admixed American, 0.017%; no homozygotes.

Submissions (3):

Ambry Genetics
Classification: Uncertain significance for Inborn genetic diseases. Last evaluated: 2023-02-16. Review status: criteria provided, single submitter. Criteria: Ambry Variant Classification Scheme 2023. Collection method: clinical testing. Allele origin: germline.

GeneDx
Classification: Uncertain significance. Last evaluated: 2022-11-15. Review status: criteria provided, single submitter. Criteria: GeneDx Variant Classification Process June 2021. Collection method: clinical testing. Allele origin: germline. Affected: yes.
Comment: Has not been previously published as pathogenic or benign to our knowledge; In silico analysis supports that this missense variant has a deleterious effect on protein structure/function

Labcorp Genetics (formerly Invitae), Labcorp
Classification: Uncertain significance. Last evaluated: 2022-10-05. Review status: criteria provided, single submitter. Criteria: Invitae Variant Classification Sherloc (09022015). Collection method: clinical testing. Allele origin: germline.
Comment: In summary, the available evidence is currently insufficient to determine the role of this variant in disease. Therefore, it has been classified as a Variant of Uncertain Significance. Advanced modeling of protein sequence and biophysical properties (such as structural, functional, and spatial information, amino acid conservation, physicochemical variation, residue mobility, and thermodynamic stability) performed at Invitae indicates that this missense variant is not expected to disrupt MYO3A protein function. ClinVar contains an entry for this variant (Variation ID: 1444915). This variant has not been reported in the literature in individuals affected with MYO3A-related conditions. This variant is present in population databases (rs375759440, gnomAD 0.02%). This sequence change replaces asparagine, which is neutral and polar, with histidine, which is basic and polar, at codon 723 of the MYO3A protein (p.Asn723His).

NM_017433.5(MYO3A):c.2167A>C (p.Asn723His)

Gene: MYO3A (myosin IIIA; plus strand). Cytogenetic location: 10p12.1.
Variant type: single nucleotide variant.
Coding change: c.2167A>C on transcript NM_017433.5 (MANE Select); coding-DNA position 2167, A replaced by C.
Protein change: p.Asn723His; replaces asparagine 723 with histidine.
Molecular consequence: missense variant.
Genome position (GRCh38, 1-based): chr10:26,128,443, A>C. VCF-style: chr10-26128443-A-C. GRCh37 (hg19) VCF-style: chr10-26417372-A-C.
Other names: short protein forms N723H.
Identifiers: ClinVar variation 1444915 (VCV001444915.10), dbSNP rs375759440, ClinGen allele CA5444889.